The following is an entry in ClinVar:

NM_000322.5(PRPH2):c.989A>G (p.Asn330Ser)

Gene: PRPH2 (peripherin 2; minus strand). Cytogenetic location: 6p21.1.
Variant type: single nucleotide variant.
Coding change: c.989A>G on transcript NM_000322.5 (MANE Select); coding-DNA position 989, A replaced by G.
Protein change: p.Asn330Ser; replaces asparagine 330 with serine.
Molecular consequence: missense variant.
Genome position (GRCh38, 1-based): chr6:42,698,347, T>C on the plus strand (A>G on the coding strand, the complement: PRPH2 is on the minus strand). VCF-style: chr6-42698347-T-C. GRCh37 (hg19) VCF-style: chr6-42666085-T-C.
Other names: short protein forms N330S.
Identifiers: ClinVar variation 1927155 (VCV001927155.5), dbSNP rs781604214, ClinGen allele CA3808466.
Genomic context (GRCh38, chr6:42,698,347, plus strand): 5'-CAGGGCCCTCAGCCAGCCTCTGGGGCCTGGCCTGCGTCTGCGCCCTCGGCTTCCACCTGG[T>C]TGCCCTTGCCCAGCTTCTTCACACTCTCCAGAAAGGCCTTCCAGGTCTCCGGCACGCTCC-3'
Protein context (NP_000313.2, residues 320-340): LESVKKLGKG[Asn330Ser]QVEAEGADAG

ClinVar aggregate classification (germline): Uncertain significance (1 of 4 stars; one submission).

Conditions:
PRPH2-related disorder. Also called: PRPH2-related disorders; PRPH2-related condition. Identifiers: MedGen CN239395.

Allele frequency attached by ClinVar (database versions not stated): ExAC 0.00001; gnomAD 0.00001.
gnomAD v4.1: 13 of 1,613,770 alleles (0.00081%); highest among the groups gnomAD compares: Non-Finnish European, 0.0011%; no homozygotes.

Submission:

Labcorp Genetics (formerly Invitae), Labcorp
Classification: Uncertain significance for PRPH2-related disorder. Last evaluated: 2025-03-03. Review status: criteria provided, single submitter. Criteria: Invitae Variant Classification Sherloc (09022015). Collection method: clinical testing. Allele origin: germline.
Comment: This sequence change replaces asparagine, which is neutral and polar, with serine, which is neutral and polar, at codon 330 of the PRPH2 protein (p.Asn330Ser). This variant is not present in population databases (gnomAD no frequency). This variant has not been reported in the literature in individuals affected with PRPH2-related conditions. ClinVar contains an entry for this variant (Variation ID: 1927155). Invitae Evidence Modeling of protein sequence and biophysical properties (such as structural, functional, and spatial information, amino acid conservation, physicochemical variation, residue mobility, and thermodynamic stability) indicates that this missense variant is not expected to disrupt PRPH2 protein function with a negative predictive value of 95%. In summary, the available evidence is currently insufficient to determine the role of this variant in disease. Therefore, it has been classified as a Variant of Uncertain Significance.